The following is an entry in ClinVar:

ClinVar aggregate classification (germline): Uncertain significance (1 of 4 stars; one submission).

Submission:

Labcorp Genetics (formerly Invitae), Labcorp
Classification: Uncertain significance. Last evaluated: 2024-11-11. Review status: criteria provided, single submitter. Criteria: Invitae Variant Classification Sherloc (09022015). Collection method: clinical testing. Allele origin: germline.
Comment: This sequence change replaces threonine, which is neutral and polar, with isoleucine, which is neutral and non-polar, at codon 374 of the HMCN1 protein (p.Thr374Ile). This variant is not present in population databases (gnomAD no frequency). This variant has not been reported in the literature in individuals affected with HMCN1-related conditions. ClinVar contains an entry for this variant (Variation ID: 1720000). An algorithm developed to predict the effect of missense changes on protein structure and function (PolyPhen-2) suggests that this variant is likely to be disruptive. In summary, the available evidence is currently insufficient to determine the role of this variant in disease. Therefore, it has been classified as a Variant of Uncertain Significance.

NM_031935.3(HMCN1):c.1121C>T (p.Thr374Ile)

Gene: HMCN1 (hemicentin 1; plus strand). Cytogenetic location: 1q31.1.
Variant type: single nucleotide variant.
Coding change: c.1121C>T on transcript NM_031935.3 (MANE Select); coding-DNA position 1121, C replaced by T.
Protein change: p.Thr374Ile; replaces threonine 374 with isoleucine.
Molecular consequence: missense variant.
Genome position (GRCh38, 1-based): chr1:185,923,489, C>T. VCF-style: chr1-185923489-C-T. GRCh37 (hg19) VCF-style: chr1-185892621-C-T.
Other names: short protein forms T374I.
Identifiers: ClinVar variation 1720000 (VCV001720000.5), dbSNP rs2527113369, ClinGen allele CA343893160.